The following is an entry in ClinVar:

ClinVar aggregate classification (germline): Uncertain significance. Review status: criteria provided, multiple submitters, no conflicts (2 of 4 stars). 2 submissions from 2 submitters: Uncertain significance (2). Last evaluated 2022-01-14.

Conditions:
Familial cold autoinflammatory syndrome 4 (FCAS4). Identifiers: Orphanet 47045, Orphanet 576349, MedGen C4015276, MONDO:0014498, OMIM 616115.
Periodic fever-infantile enterocolitis-autoinflammatory syndrome. Also called: Autoinflammation with infantile enterocolitis. Identifiers: Orphanet 436166, MedGen C4015067, MONDO:0014472, OMIM 616050.
Autoinflammatory syndrome. Identifiers: Orphanet 93665, MedGen C3890737, MONDO:0019751.

Submissions (2):

Labcorp Genetics (formerly Invitae), Labcorp
Classification: Uncertain significance for Periodic fever-infantile enterocolitis-autoinflammatory syndrome; Familial cold autoinflammatory syndrome 4. Last evaluated: 2022-01-14. Review status: criteria provided, single submitter. Criteria: Invitae Variant Classification Sherloc (09022015). Collection method: clinical testing. Allele origin: germline.
Comment: In summary, the available evidence is currently insufficient to determine the role of this variant in disease. Therefore, it has been classified as a Variant of Uncertain Significance. This variant has not been reported in the literature in individuals affected with NLRC4-related conditions. The frequency data for this variant in the population databases is considered unreliable, as metrics indicate poor data quality at this position in the gnomAD database. This sequence change creates a premature translational stop signal (p.Asn539Thrfs*8) in the NLRC4 gene. It is expected to result in an absent or disrupted protein product. However, the current clinical and genetic evidence is not sufficient to establish whether loss-of-function variants in NLRC4 cause disease.

Genome Diagnostics Laboratory, The Hospital for Sick Children
Classification: Uncertain significance for Autoinflammatory syndrome. Last evaluated: 2018-04-17. Review status: criteria provided, single submitter. Criteria: ACMG Guidelines, 2015. Collection method: clinical testing. Allele origin: germline. Affected: yes.

NM_001199138.2(NLRC4):c.1616del (p.Asn539fs)

Gene: NLRC4 (NLR family CARD domain containing 4; minus strand). Cytogenetic location: 2p22.3.
Variant type: Deletion.
Coding change: c.1616del on transcript NM_001199138.2 (MANE Select); coding-DNA position 1616, one base deleted (A; older notation c.1616delA).
Protein change: p.Asn539fs; shifts the reading frame from asparagine 539.
Molecular consequence: frameshift variant. On other transcripts: intron variant (1).
Genome position (GRCh38, 1-based): chr2:32,250,248, T deleted on the plus strand (A on the coding strand, the reverse complement: NLRC4 is on the minus strand); the first of 5 consecutive T bases (chr2:32,250,248-32,250,252); deleting any one gives the same sequence. VCF-style (leftmost placement, unchanged base first): chr2-32250247-GT-G. GRCh37 (hg19) VCF-style: chr2-32475316-GT-G.
Other names: c.1612delA, p.Asn539Thrfs (NM_001199139.2, NM_021209.5); c.262+2171del (NM_001302504.1); c.1616delA (NM_021209.4); short protein forms N539fs.
Identifiers: ClinVar variation 1409645 (VCV001409645.9), dbSNP rs760634156, ClinGen allele CA1601959.